The following is an entry in ClinVar:

NM_003000.3(SDHB):c.407T>G (p.Ile136Arg)

Gene: SDHB (succinate dehydrogenase complex iron sulfur subunit B; minus strand). Cytogenetic location: 1p36.13.
Variant type: single nucleotide variant.
Coding change: c.407T>G on transcript NM_003000.3 (MANE Select); coding-DNA position 407, T replaced by G.
Protein change: p.Ile136Arg; replaces isoleucine 136 with arginine.
Molecular consequence: missense variant.
Genome position (GRCh38, 1-based): chr1:17,028,616, A>C on the plus strand (T>G on the coding strand, the complement: SDHB is on the minus strand). VCF-style: chr1-17028616-A-C. GRCh37 (hg19) VCF-style: chr1-17355111-A-C.
Other names: c.407T>G (NM_003000.2); short protein forms I136R.
Identifiers: ClinVar variation 1014604 (VCV001014604.6), dbSNP rs2078004335, ClinGen allele CA338274013.

ClinVar aggregate classification (germline): Uncertain significance. Review status: criteria provided, multiple submitters, no conflicts (2 of 4 stars). 2 submissions from 2 submitters: Uncertain significance (2). Last evaluated 2025-04-28.

Conditions:
Hereditary cancer-predisposing syndrome. Also called: Neoplastic Syndromes, Hereditary; Hereditary Cancer Syndrome; Hereditary neoplastic syndrome; Tumor predisposition. Identifiers: Orphanet 140162, MedGen C0027672, MeSH D009386, MONDO:0015356.
Pheochromocytoma/paraganglioma syndrome 4. Also called: CAROTID BODY TUMORS AND MULTIPLE EXTRAADRENAL PHEOCHROMOCYTOMAS; SDHB-Related Hereditary Paraganglioma-Pheochromocytoma Syndrome; Paragangliomas 4; SDHB-Related Hereditary Paraganglioma-Pheochromocytoma Syndrome (Paragangliomas 4); PARAGANGLIOMA, FAMILIAL MALIGNANT; PARAGANGLIOMAS, HEREDITARY EXTRAADRENAL. Identifiers: Orphanet 29072, MedGen C1861848, MONDO:0007273, OMIM 115310.
Gastrointestinal stromal tumor. Also called: Gastrointestinal stromal tumor, somatic; Gastrointestinal stroma tumor. Identifiers: Orphanet 44890, MedGen C0238198, MeSH D046152, MONDO:0011719, OMIM 606764, HP:0100723.
Pheochromocytoma. Also called: MAX-Related Hereditary Paraganglioma-Pheochromocytoma Syndrome. Identifiers: Orphanet 29072, MedGen C0031511, MONDO:0008233, OMIM 171300, HP:0002666.

Submissions (2):

Ambry Genetics
Classification: Uncertain significance for Hereditary cancer-predisposing syndrome. Last evaluated: 2025-04-28. Review status: criteria provided, single submitter. Criteria: Ambry Variant Classification Scheme 2023. Collection method: clinical testing. Allele origin: germline.
Comment: The p.I136R variant (also known as c.407T>G), located in coding exon 4 of the SDHB gene, results from a T to G substitution at nucleotide position 407. The isoleucine at codon 136 is replaced by arginine, an amino acid with similar properties. This amino acid position is conserved. In addition, this alteration is predicted to be deleterious by in silico analysis. Based on the available evidence, the clinical significance of this variant remains unclear.

Labcorp Genetics (formerly Invitae), Labcorp
Classification: Uncertain significance for Gastrointestinal stromal tumor; Pheochromocytoma/paraganglioma syndrome 4; Pheochromocytoma. Last evaluated: 2023-12-01. Review status: criteria provided, single submitter. Criteria: Invitae Variant Classification Sherloc (09022015). Collection method: clinical testing. Allele origin: germline.
Comment: This sequence change replaces isoleucine, which is neutral and non-polar, with arginine, which is basic and polar, at codon 136 of the SDHB protein (p.Ile136Arg). This variant is not present in population databases (gnomAD no frequency). This variant has not been reported in the literature in individuals affected with SDHB-related conditions. Advanced modeling of protein sequence and biophysical properties (such as structural, functional, and spatial information, amino acid conservation, physicochemical variation, residue mobility, and thermodynamic stability) performed at Invitae indicates that this missense variant is expected to disrupt SDHB protein function with a positive predictive value of 80%. In summary, the available evidence is currently insufficient to determine the role of this variant in disease. Therefore, it has been classified as a Variant of Uncertain Significance.